The following is an entry in ClinVar:

ClinVar aggregate classification (germline): Uncertain significance (1 of 4 stars; one submission).

Conditions:
Hypertrophic cardiomyopathy. Also called: HYPERTROPHIC MYOCARDIOPATHY. Identifiers: Orphanet 217569, MedGen C0007194, MeSH D002312, MONDO:0005045, HP:0001639.

Submission:

Labcorp Genetics (formerly Invitae), Labcorp
Classification: Uncertain significance for Hypertrophic cardiomyopathy. Last evaluated: 2022-02-20. Review status: criteria provided, single submitter. Criteria: Invitae Variant Classification Sherloc (09022015). Collection method: clinical testing. Allele origin: germline.
Comment: This variant has not been reported in the literature in individuals affected with MYH7-related conditions. In summary, the available evidence is currently insufficient to determine the role of this variant in disease. Therefore, it has been classified as a Variant of Uncertain Significance. This variant is found within a region of MYH7 between codons 181 and 937 that contains the majority of the myosin head domain. Missense variants in this region have been shown to be significantly overrepresented in individuals with hypertrophic cardiomyopathy (PMID: 27532257). Algorithms developed to predict the effect of missense changes on protein structure and function (SIFT, PolyPhen-2, Align-GVGD) all suggest that this variant is likely to be disruptive. This variant is not present in population databases (gnomAD no frequency). This sequence change replaces aspartic acid, which is acidic and polar, with tyrosine, which is neutral and polar, at codon 587 of the MYH7 protein (p.Asp587Tyr).

Literature cited by the submitters: PubMed 27532257.

NM_000257.4(MYH7):c.1759G>T (p.Asp587Tyr)

Gene: MYH7 (myosin heavy chain 7; minus strand). Cytogenetic location: 14q11.2.
Variant type: single nucleotide variant.
Coding change: c.1759G>T on transcript NM_000257.4 (MANE Select); coding-DNA position 1759, G replaced by T.
Protein change: p.Asp587Tyr; replaces aspartic acid 587 with tyrosine.
Molecular consequence: missense variant.
Genome position (GRCh38, 1-based): chr14:23,427,714, C>A on the plus strand (G>T on the coding strand, the complement: MYH7 is on the minus strand). VCF-style: chr14-23427714-C-A. GRCh37 (hg19) VCF-style: chr14-23896923-C-A.
Other names: c.1759G>T, p.Asp587Tyr (NM_001407004.1); short protein forms D587Y.
Identifiers: ClinVar variation 2100085 (VCV002100085.4), dbSNP rs727504294, ClinGen allele CA389049881.